The following is an entry in ClinVar:

NM_012079.6(DGAT1):c.355C>T (p.Gln119Ter)

Gene: DGAT1 (diacylglycerol O-acyltransferase 1; minus strand). Cytogenetic location: 8q24.3.
Variant type: single nucleotide variant.
Coding change: c.355C>T on transcript NM_012079.6 (MANE Select); coding-DNA position 355, C replaced by T.
Protein change: p.Gln119Ter; replaces glutamine 119 with a stop codon.
Molecular consequence: nonsense.
Genome position (GRCh38, 1-based): chr8:144,318,895, G>A on the plus strand (C>T on the coding strand, the complement: DGAT1 is on the minus strand). VCF-style: chr8-144318895-G-A. GRCh37 (hg19) VCF-style: chr8-145542558-G-A.
Other names: short protein forms Q119*.
Identifiers: ClinVar variation 2834092 (VCV002834092.4), dbSNP rs1817352625, ClinGen allele CA372612786.
Genomic context (GRCh38, chr8:144,318,895, plus strand): 5'-CAATAACCAGGCATGGGGCGGGCCAGCTATAGGGATCCTTCAGGAACAGAGAAACCACCT[G>A]GATGGGGTCCACCAGGATGCCATACCTGGGGGTGGAGGGATGGGGGTCTGAGTGGGTGGC-3'

ClinVar aggregate classification (germline): Pathogenic/Likely pathogenic. Review status: criteria provided, multiple submitters, no conflicts (2 of 4 stars). 2 submissions from 2 submitters: Pathogenic (1); Likely pathogenic (1). Last evaluated 2024-05-08.

Conditions:
Congenital diarrhea 7 with exudative enteropathy. Also called: Diarrhea 7. Identifiers: Orphanet 329242, MedGen C4014516, MONDO:0014375, OMIM 615863.

Submissions (2):

Fulgent Genetics
Classification: Likely pathogenic for Congenital diarrhea 7 with exudative enteropathy. Last evaluated: 2024-05-08. Review status: criteria provided, single submitter. Criteria: ACMG Guidelines, 2015. Collection method: clinical testing. Allele origin: germline.

Labcorp Genetics (formerly Invitae), Labcorp
Classification: Pathogenic. Last evaluated: 2023-09-05. Review status: criteria provided, single submitter. Criteria: Invitae Variant Classification Sherloc (09022015). Collection method: clinical testing. Allele origin: germline.
Comment: This variant is not present in population databases (gnomAD no frequency). This variant has not been reported in the literature in individuals affected with DGAT1-related conditions. For these reasons, this variant has been classified as Pathogenic. This sequence change creates a premature translational stop signal (p.Gln119*) in the DGAT1 gene. It is expected to result in an absent or disrupted protein product. Loss-of-function variants in DGAT1 are known to be pathogenic (PMID: 29604290).

Literature cited by the submitters: PubMed 29604290 (cited by Labcorp Genetics (formerly Invitae), Labcorp).